The following is an entry in ClinVar:

ClinVar aggregate classification (germline): Likely benign. Review status: criteria provided, multiple submitters, no conflicts (2 of 4 stars). 7 submissions from 7 submitters: Likely benign (5). 2 of the submissions do not count toward it. Last evaluated 2025-02-18.

Conditions:
Dystonia 16 (DYT16). Also called: DYT-PRKRA. Identifiers: Orphanet 210571, MedGen C2677567, MONDO:0012789, OMIM 612067.

Allele frequency attached by ClinVar (database versions not stated): gnomAD exomes 0.00231 and 0.00234; ExAC 0.00416; ESP Exome Variant Server 0.00692; gnomAD 0.00928 and 0.00976; 1000 Genomes Project 30x 0.01468.
gnomAD v4.1: 4,809 of 1,613,034 alleles (0.3%); highest among the groups gnomAD compares: African/African-American, 2.7%; no homozygotes.

Submissions (7):

Mayo Clinic Laboratories, Mayo Clinic
Classification: Likely benign. Last evaluated: 2025-02-18. Review status: criteria provided, single submitter. Criteria: ACMG Guidelines, 2015. Collection method: clinical testing. Allele origin: germline. Observed: 7 variant alleles.
Comment: BS1, BP4, BP7

Blueprint Genetics
Classification: Likely benign. Last evaluated: 2024-11-26. Review status: criteria provided, single submitter. Criteria: ACMG Guidelines, 2015. Collection method: clinical testing. Allele origin: germline.

Labcorp Genetics (formerly Invitae), Labcorp
Classification: Likely benign for Dystonia 16. Last evaluated: 2024-04-17. Review status: criteria provided, single submitter. Criteria: Invitae Variant Classification Sherloc (09022015). Collection method: clinical testing. Allele origin: germline.

Fulgent Genetics
Classification: Likely benign for Dystonia 16. Last evaluated: 2021-10-15. Review status: criteria provided, single submitter. Criteria: ACMG Guidelines, 2015. Collection method: clinical testing. Allele origin: unknown.

GeneDx
Classification: Likely benign. Last evaluated: 2021-03-19. Review status: criteria provided, single submitter. Criteria: GeneDx Variant Classification Process June 2021. Collection method: clinical testing. Allele origin: germline. Affected: yes.

Clinical Genetics DNA and cytogenetics Diagnostics Lab, Erasmus MC, Erasmus Medical Center
Classification: Likely benign. Review status: no assertion criteria provided. Collection method: clinical testing. Allele origin: germline. Affected: yes. Study: VKGL Data-share Consensus. Not counted in ClinVar's aggregate classification.

Diagnostic Laboratory, Department of Genetics, University Medical Center Groningen
Classification: Likely benign for Dystonia 16. Review status: no assertion criteria provided. Collection method: clinical testing. Allele origin: germline. Affected: yes. Study: VKGL Data-share Consensus. Not counted in ClinVar's aggregate classification.

NM_003690.5(PRKRA):c.861C>T (p.Ser287=)

Genes: PRKRA (protein activator of interferon induced protein kinase EIF2AK2; minus strand), CHROMR (cholesterol induced regulator of metabolism RNA; plus strand). Cytogenetic location: 2q31.2.
Variant type: single nucleotide variant.
Coding change: c.861C>T on transcript NM_003690.5 (MANE Select); coding-DNA position 861, C replaced by T.
Protein change: p.Ser287=; no amino-acid change (serine 287 retained).
Molecular consequence: synonymous variant.
Genome position (GRCh38, 1-based): chr2:178,432,178, G>A on the plus strand (C>T on the coding strand, the complement: PRKRA is on the minus strand). VCF-style: chr2-178432178-G-A. GRCh37 (hg19) VCF-style: chr2-179296905-G-A.
Other names: p.Ser287=; c.828C>T, p.Ser276= (NM_001139517.2); c.786C>T, p.Ser262= (NM_001139518.2); c.522C>T, p.Ser174= (NM_001316362.2).
Identifiers: ClinVar variation 518334 (VCV000518334.13), dbSNP rs116833881, ClinGen allele CA1983700.